The following is an entry in ClinVar:

NM_017617.5(NOTCH1):c.6321C>G (p.His2107Gln)

Gene: NOTCH1 (notch receptor 1; minus strand). Cytogenetic location: 9q34.3.
Variant type: single nucleotide variant.
Coding change: c.6321C>G on transcript NM_017617.5 (MANE Select); coding-DNA position 6321, C replaced by G.
Protein change: p.His2107Gln; replaces histidine 2107 with glutamine.
Molecular consequence: missense variant.
Genome position (GRCh38, 1-based): chr9:136,497,418, G>C on the plus strand (C>G on the coding strand, the complement: NOTCH1 is on the minus strand). VCF-style: chr9-136497418-G-C. GRCh37 (hg19) VCF-style: chr9-139391870-G-C.
Other names: c.6321C>G (NM_017617.3); short protein forms H2107Q.
Identifiers: ClinVar variation 3716262 (VCV003716262.3).

ClinVar aggregate classification (germline): Uncertain significance. Review status: criteria provided, multiple submitters, no conflicts (2 of 4 stars). 2 submissions from 2 submitters: Uncertain significance (2). Last evaluated 2026-09-12.

Conditions:
Familial thoracic aortic aneurysm and aortic dissection (TAAD). Also called: Thoracic aortic aneurysms and dissections. Identifiers: Orphanet 91387, MedGen C4707243, MONDO:0019625.
Adams-Oliver syndrome 5 (AOS5). Identifiers: Orphanet 974, MedGen C4014970, MONDO:0014459, OMIM 616028.

Submissions (2):

Ambry Genetics
Classification: Uncertain significance for Familial thoracic aortic aneurysm and aortic dissection. Last evaluated: 2026-09-12. Review status: criteria provided, single submitter. Criteria: Ambry Variant Classification Scheme 2023. Collection method: clinical testing. Allele origin: germline.
Comment: The p.H2107Q variant (also known as c.6321C>G), located in coding exon 34 of the NOTCH1 gene, results from a C to G substitution at nucleotide position 6321. The histidine at codon 2107 is replaced by glutamine, an amino acid with highly similar properties. This amino acid position is conserved. In addition, this alteration is predicted to be tolerated by in silico analysis. Based on the available evidence, the clinical significance of this variant remains unclear.

Labcorp Genetics (formerly Invitae), Labcorp
Classification: Uncertain significance for Adams-Oliver syndrome 5. Last evaluated: 2024-09-18. Review status: criteria provided, single submitter. Criteria: Invitae Variant Classification Sherloc (09022015). Collection method: clinical testing. Allele origin: germline.
Comment: This sequence change replaces histidine, which is basic and polar, with glutamine, which is neutral and polar, at codon 2107 of the NOTCH1 protein (p.His2107Gln). This variant is not present in population databases (gnomAD no frequency). This variant has not been reported in the literature in individuals affected with NOTCH1-related conditions. Invitae Evidence Modeling of protein sequence and biophysical properties (such as structural, functional, and spatial information, amino acid conservation, physicochemical variation, residue mobility, and thermodynamic stability) indicates that this missense variant is not expected to disrupt NOTCH1 protein function with a negative predictive value of 80%. In summary, the available evidence is currently insufficient to determine the role of this variant in disease. Therefore, it has been classified as a Variant of Uncertain Significance.